The following is an entry in ClinVar:

NM_174936.4(PCSK9):c.289C>T (p.Arg97Cys)

Gene: PCSK9 (proprotein convertase subtilisin/kexin type 9; plus strand). Cytogenetic location: 1p32.3.
Variant type: single nucleotide variant.
Coding change: c.289C>T on transcript NM_174936.4 (MANE Select); coding-DNA position 289, C replaced by T.
Protein change: p.Arg97Cys; replaces arginine 97 with cysteine.
Molecular consequence: missense variant.
Genome position (GRCh38, 1-based): chr1:55,043,924, C>T. VCF-style: chr1-55043924-C-T. GRCh37 (hg19) VCF-style: chr1-55509597-C-T.
Other names: short protein forms R97C.
Identifiers: ClinVar variation 927833 (VCV000927833.10), dbSNP rs140319509, ClinGen allele CA041270.
Genomic context (GRCh38, chr1:55,043,924, plus strand): 5'-ACCTACGTGGTGGTGCTGAAGGAGGAGACCCACCTCTCGCAGTCAGAGCGCACTGCCCGC[C>T]GCCTGCAGGCCCAGGCTGCCCGCCGGGGATACCTCACCAAGATCCTGCATGTCTTCCATG-3'
Protein context (NP_777596.2, residues 87-107): HLSQSERTAR[Arg97Cys]LQAQAARRGY

ClinVar aggregate classification (germline): Conflicting classifications of pathogenicity. Review status: criteria provided, conflicting classifications (1 of 4 stars). 3 submissions from 3 submitters: Uncertain significance (2); Likely benign (1). Last evaluated 2025-01-14.

Conditions:
Familial hypercholesterolemia. Also called: Familial hypercholesterolaemia; Familial hypercholesterolemias. Identifiers: MedGen C0020445, MONDO:0005439.
Hypercholesterolemia, autosomal dominant, 3 (FHCL3). Also called: PCSK9-Related Familial Hypercholesterolemia, Autosomal Dominant; Familial hypercholesterolemia 3; Familial Hypercholesterolemia, Autosomal Dominant, 3. Identifiers: MedGen C1863551, MONDO:0011369, OMIM 603776.

Allele frequency attached by ClinVar (database versions not stated): TOPMed 0.00002; gnomAD 0.00003; 1000 Genomes Project 30x 0.00016; 1000 Genomes Project 0.00020.
gnomAD v4.1: 27 of 1,614,192 alleles (0.0017%); highest among the groups gnomAD compares: Middle Eastern, 0.017%; no homozygotes.

Submissions (3):

Color Diagnostics, LLC DBA Color Health
Classification: Likely benign for Familial hypercholesterolemia. Last evaluated: 2025-01-14. Review status: criteria provided, single submitter. Criteria: ACMG Guidelines, 2015. Collection method: clinical testing. Allele origin: germline.

All of Us Research Program, National Institutes of Health
Classification: Uncertain significance for Hypercholesterolemia, autosomal dominant, 3. Last evaluated: 2023-12-01. Review status: criteria provided, single submitter. Criteria: ACMG Guidelines, 2015. Collection method: clinical testing. Allele origin: germline. Inheritance: Autosomal dominant inheritance. Observed: 6 variant alleles, 6 heterozygotes.
Comment: This missense variant replaces arginine with cysteine at codon 97 of the PCSK9 protein. Computational prediction suggests that this variant may not impact protein structure and function (internally defined REVEL score threshold <= 0.5, PMID: 27666373). To our knowledge, functional studies have not been reported for this variant. This variant has not been reported in individuals affected with familial hypercholesterolemia in the literature. This variant has been identified in 3/251278 chromosomes in the general population by the Genome Aggregation Database (gnomAD). The available evidence is insufficient to determine the role of this variant in disease conclusively. Therefore, this variant is classified as a Variant of Uncertain Significance.

This study involves interpretation of variants in research participants for the purpose of population health screening. Participant phenotype was not available at the time of variant classification. Additional details can be found in publication PMID: 35346344, PMCID: PMC8962531

Labcorp Genetics (formerly Invitae), Labcorp
Classification: Uncertain significance for Hypercholesterolemia, autosomal dominant, 3. Last evaluated: 2022-01-19. Review status: criteria provided, single submitter. Criteria: Invitae Variant Classification Sherloc (09022015). Collection method: clinical testing. Allele origin: germline.
Comment: In summary, the available evidence is currently insufficient to determine the role of this variant in disease. Therefore, it has been classified as a Variant of Uncertain Significance. Advanced modeling of protein sequence and biophysical properties (such as structural, functional, and spatial information, amino acid conservation, physicochemical variation, residue mobility, and thermodynamic stability) performed at Invitae indicates that this missense variant is not expected to disrupt PCSK9 protein function. ClinVar contains an entry for this variant (Variation ID: 927833). This variant has not been reported in the literature in individuals affected with PCSK9-related conditions. This variant is present in population databases (rs140319509, gnomAD 0.007%). This sequence change replaces arginine, which is basic and polar, with cysteine, which is neutral and slightly polar, at codon 97 of the PCSK9 protein (p.Arg97Cys).